The following is an entry in ClinVar:

ClinVar aggregate classification (germline): Uncertain significance. Review status: criteria provided, multiple submitters, no conflicts (2 of 4 stars). 2 submissions from 2 submitters: Uncertain significance (2). Last evaluated 2025-01-18.

Allele frequency attached by ClinVar (database versions not stated): gnomAD 0.00001; TOPMed 0.00001.
gnomAD v4.1: 2 of 1,364,576 alleles (0.00015%); highest among the groups gnomAD compares: Admixed American, 0.0032%; no homozygotes.

Submissions (2):

Ambry Genetics
Classification: Uncertain significance. Last evaluated: 2025-01-18. Review status: criteria provided, single submitter. Criteria: Ambry Variant Classification Scheme 2023. Collection method: clinical testing. Allele origin: germline.

Labcorp Genetics (formerly Invitae), Labcorp
Classification: Uncertain significance. Last evaluated: 2024-04-02. Review status: criteria provided, single submitter. Criteria: Invitae Variant Classification Sherloc (09022015). Collection method: clinical testing. Allele origin: germline.
Comment: This sequence change replaces serine, which is neutral and polar, with alanine, which is neutral and non-polar, at codon 195 of the IRF2BP2 protein (p.Ser195Ala). This variant is not present in population databases (gnomAD no frequency). This variant has not been reported in the literature in individuals affected with IRF2BP2-related conditions. An algorithm developed to predict the effect of missense changes on protein structure and function (PolyPhen-2) suggests that this variant is likely to be tolerated. In summary, the available evidence is currently insufficient to determine the role of this variant in disease. Therefore, it has been classified as a Variant of Uncertain Significance.

NM_182972.3(IRF2BP2):c.583T>G (p.Ser195Ala)

Gene: IRF2BP2 (interferon regulatory factor 2 binding protein 2; minus strand). Cytogenetic location: 1q42.3.
Variant type: single nucleotide variant.
Coding change: c.583T>G on transcript NM_182972.3 (MANE Select); coding-DNA position 583, T replaced by G.
Protein change: p.Ser195Ala; replaces serine 195 with alanine.
Molecular consequence: missense variant.
Genome position (GRCh38, 1-based): chr1:234,608,912, A>C on the plus strand (T>G on the coding strand, the complement: IRF2BP2 is on the minus strand). VCF-style: chr1-234608912-A-C. GRCh37 (hg19) VCF-style: chr1-234744658-A-C.
Other names: c.583T>G, p.Ser195Ala (NM_001077397.1); c.583T>G (NM_182972.2); short protein forms S195A.
Identifiers: ClinVar variation 3008800 (VCV003008800.4), dbSNP rs1672257125, ClinGen allele CA345309500.